The following is an entry in ClinVar:

ClinVar aggregate classification (germline): Pathogenic (1 of 4 stars; one submission).

Submission:

Labcorp Genetics (formerly Invitae), Labcorp
Classification: Pathogenic. Last evaluated: 2024-12-18. Review status: criteria provided, single submitter. Criteria: Invitae Variant Classification Sherloc (09022015). Collection method: clinical testing. Allele origin: germline.
Comment: This sequence change creates a premature translational stop signal (p.Ala1015Argfs*52) in the CACNA1F gene. It is expected to result in an absent or disrupted protein product. Loss-of-function variants in CACNA1F are known to be pathogenic (PMID: 9662399, 11281458, 17525176, 22194652, 24124559, 26992781). This variant is not present in population databases (gnomAD no frequency). This variant has not been reported in the literature in individuals affected with CACNA1F-related conditions. Algorithms developed to predict the effect of sequence changes on RNA splicing suggest that this variant may disrupt the consensus splice site. For these reasons, this variant has been classified as Pathogenic.

Literature cited by the submitters: PubMed 9662399; PubMed 11281458; PubMed 17525176; PubMed 22194652; PubMed 24124559; PubMed 26992781.

NM_001256789.3(CACNA1F):c.3009dup (p.Ala1004fs)

Gene: CACNA1F (calcium voltage-gated channel subunit alpha1 F; minus strand). Cytogenetic location: Xp11.23.
Variant type: Duplication.
Coding change: c.3009dup on transcript NM_001256789.3 (MANE Select); coding-DNA position 3009, one base duplicated (C; older notation c.3009dupC).
Protein change: p.Ala1004fs; shifts the reading frame from alanine 1004.
Molecular consequence: frameshift variant.
Genome position (GRCh38, 1-based): chrX:49,217,925, G duplicated on the plus strand (C on the coding strand, the reverse complement: CACNA1F is on the minus strand). VCF-style (leftmost placement, unchanged base first): chrX-49217924-C-CG. GRCh37 (hg19) VCF-style: chrX-49074383-C-CG.
Other names: c.2847dup, p.Ala950fs (NM_001256790.3); c.3042dup, p.Ala1015fs (NM_005183.4); short protein forms A1015fs, A950fs, A1004fs.
Identifiers: ClinVar variation 3723830 (VCV003723830.2).
Genomic context (GRCh38, chrX:49,217,924, plus strand): 5'-CCCTGCCTGGCATTCCCTCCAGTGTTTGCCCCACCTTGAAGAGCTGCACCCCGATGCAGG[C>CG]GAACATAAATTGCAGAAGTGTGGTGACAATCATGATGTTTCCGATGGTCCGGATGGCCAC-3'